The following is an entry in ClinVar:

NM_032043.3(BRIP1):c.727A>G (p.Ile243Val)

Gene: BRIP1 (BRCA1 interacting DNA helicase 1; minus strand). Cytogenetic location: 17q23.2.
Variant type: single nucleotide variant.
Coding change: c.727A>G on transcript NM_032043.3 (MANE Select); coding-DNA position 727, A replaced by G.
Protein change: p.Ile243Val; replaces isoleucine 243 with valine.
Molecular consequence: missense variant.
Genome position (GRCh38, 1-based): chr17:61,808,658, T>C on the plus strand (A>G on the coding strand, the complement: BRIP1 is on the minus strand). VCF-style: chr17-61808658-T-C. GRCh37 (hg19) VCF-style: chr17-59886019-T-C.
Other names: short protein forms I243V.
Identifiers: ClinVar variation 1758046 (VCV001758046.3), dbSNP rs2078113517, ClinGen allele CA400485039.

ClinVar aggregate classification (germline): Likely pathogenic (1 of 4 stars; one submission).

Conditions:
Hereditary cancer-predisposing syndrome. Also called: Neoplastic Syndromes, Hereditary; Tumor predisposition; Hereditary Cancer Syndrome; Hereditary neoplastic syndrome. Identifiers: Orphanet 140162, MedGen C0027672, MeSH D009386, MONDO:0015356.

gnomAD v4.1: 1 of 1,614,030 alleles (0.000062%); highest among the groups gnomAD compares: African/African-American, 0.0013%; no homozygotes.

Submission:

Ambry Genetics
Classification: Likely pathogenic for Hereditary cancer-predisposing syndrome. Last evaluated: 2023-05-04. Review status: criteria provided, single submitter. Criteria: Ambry Variant Classification Scheme 2023. Collection method: clinical testing. Allele origin: germline.
Comment: The c.727A>G variant (also known as p.I243V), located in coding exon 6 of the BRIP1 gene, results from an A to G substitution at nucleotide position 727. The isoleucine at codon 243 is replaced by valine, an amino acid with highly similar properties. This nucleotide position is not well conserved in available vertebrate species. This amino acid position is not well conserved in available vertebrate species. In silico splice site analysis predicts that this alteration will result in the creation or strengthening of a novel splice donor site and RNA studies have demonstrated that this alteration results in abnormal splicing in the set of samples tested (Ambry internal data). In addition, this variant is considered to be rare based on population cohorts in the Genome Aggregation Database (gnomAD). Based on the majority of available evidence to date, this variant is likely to be pathogenic.